The following is an entry in ClinVar:

ClinVar aggregate classification (germline): Uncertain significance (1 of 4 stars; one submission).

Conditions:
Nephronophthisis. Also called: Juvenile Nephronophthisis. Identifiers: Orphanet 655, MedGen C0687120, MONDO:0019005, HP:0000090.

Submission:

Labcorp Genetics (formerly Invitae), Labcorp
Classification: Uncertain significance for Nephronophthisis. Last evaluated: 2024-10-23. Review status: criteria provided, single submitter. Criteria: Invitae Variant Classification Sherloc (09022015). Collection method: clinical testing. Allele origin: germline.
Comment: This sequence change replaces asparagine, which is neutral and polar, with lysine, which is basic and polar, at codon 2 of the INVS protein (p.Asn2Lys). This variant is not present in population databases (gnomAD no frequency). This variant has not been reported in the literature in individuals affected with INVS-related conditions. ClinVar contains an entry for this variant (Variation ID: 1517475). An algorithm developed to predict the effect of missense changes on protein structure and function (PolyPhen-2) suggests that this variant is likely to be tolerated. In summary, the available evidence is currently insufficient to determine the role of this variant in disease. Therefore, it has been classified as a Variant of Uncertain Significance.

NM_014425.5(INVS):c.6C>A (p.Asn2Lys)

Gene: INVS (inversin; plus strand). Cytogenetic location: 9q31.1.
Variant type: single nucleotide variant.
Coding change: c.6C>A on transcript NM_014425.5 (MANE Select); coding-DNA position 6, C replaced by A.
Protein change: p.Asn2Lys; replaces asparagine 2 with lysine.
Molecular consequence: missense variant. On other transcripts: 5 prime UTR variant (2), non-coding transcript variant (1).
Genome position (GRCh38, 1-based): chr9:100,104,527, C>A. VCF-style: chr9-100104527-C-A. GRCh37 (hg19) VCF-style: chr9-102866809-C-A.
Other names: c.-371C>A (NM_001318381.2); c.-984C>A (NM_001318382.2); short protein forms N2K.
Identifiers: ClinVar variation 1517475 (VCV001517475.6), dbSNP rs1827109471, ClinGen allele CA374358073.